The following is an entry in ClinVar:

NM_053025.4(MYLK):c.2791C>T (p.Arg931Trp)

Gene: MYLK (myosin light chain kinase; minus strand). Cytogenetic location: 3q21.1.
Variant type: single nucleotide variant.
Coding change: c.2791C>T on transcript NM_053025.4 (MANE Select); coding-DNA position 2791, C replaced by T.
Protein change: p.Arg931Trp; replaces arginine 931 with tryptophan.
Molecular consequence: missense variant.
Genome position (GRCh38, 1-based): chr3:123,700,677, G>A on the plus strand (C>T on the coding strand, the complement: MYLK is on the minus strand). VCF-style: chr3-123700677-G-A. GRCh37 (hg19) VCF-style: chr3-123419524-G-A.
Other names: c.2263C>T, p.Arg755Trp (NM_001321309.2); c.2584C>T, p.Arg862Trp (NM_053026.4, NM_053028.4); c.2791C>T, p.Arg931Trp (NM_053027.4); c.2791C>T (NM_053025.3); short protein forms R931W, R755W, R862W.
Identifiers: ClinVar variation 1417242 (VCV001417242.8), dbSNP rs762375833, ClinGen allele CA069032.

ClinVar aggregate classification (germline): Uncertain significance. Review status: criteria provided, multiple submitters, no conflicts (2 of 4 stars). 5 submissions from 5 submitters: Uncertain significance (5). Last evaluated 2025-12-22.

Conditions:
Megacystis-microcolon-intestinal hypoperistalsis syndrome 1. Identifiers: MedGen C5542316, MONDO:0100354, OMIM 249210.
Aortic aneurysm, familial thoracic 7 (AAT7). Also called: AORTIC DISSECTION, FAMILIAL, WITH OR WITHOUT AORTIC ANEURYSM. Identifiers: MedGen C3151077, MONDO:0013418, OMIM 613780.
Familial thoracic aortic aneurysm and aortic dissection (TAAD). Also called: Thoracic aortic aneurysms and dissections. Identifiers: Orphanet 91387, MedGen C4707243, MONDO:0019625.

Allele frequency attached by ClinVar (database versions not stated): TOPMed 0.00001; gnomAD 0.00001 and 0.00003.
gnomAD v4.1: 34 of 1,614,134 alleles (0.0021%); highest among the groups gnomAD compares: South Asian, 0.024%; no homozygotes.

Submissions (5):

Ambry Genetics
Classification: Uncertain significance for Familial thoracic aortic aneurysm and aortic dissection. Last evaluated: 2025-12-22. Review status: criteria provided, single submitter. Criteria: Ambry Variant Classification Scheme 2023. Collection method: clinical testing. Allele origin: germline.
Comment: The p.R931W variant (also known as c.2791C>T), located in coding exon 15 of the MYLK gene, results from a C to T substitution at nucleotide position 2791. The arginine at codon 931 is replaced by tryptophan, an amino acid with dissimilar properties. This amino acid position is well conserved in available vertebrate species. In addition, the in silico prediction for this alteration is inconclusive. Based on the available evidence, the clinical significance of this variant remains unclear.

Dasa
Classification: Uncertain significance for Aortic aneurysm, familial thoracic 7. Last evaluated: 2025-09-08. Review status: criteria provided, single submitter. Criteria: DASA Assertion Criteria. Collection method: clinical testing. Allele origin: germline.
Comment: NM_053025.4(MYLK):c.2791C>T (p.Arg931Trp) is a missense variant that results in the substitution of arginine with tryptophan. This variant is rare in population databases. The currently available literature and clinical evidence are not sufficient to establish a definitive association between this variant and the reported condition. Therefore, this variant is classified as a variant of uncertain significance.

Labcorp Genetics (formerly Invitae), Labcorp
Classification: Uncertain significance for Aortic aneurysm, familial thoracic 7. Last evaluated: 2023-12-15. Review status: criteria provided, single submitter. Criteria: Invitae Variant Classification Sherloc (09022015). Collection method: clinical testing. Allele origin: germline.
Comment: This sequence change replaces arginine, which is basic and polar, with tryptophan, which is neutral and slightly polar, at codon 931 of the MYLK protein (p.Arg931Trp). This variant is present in population databases (rs762375833, gnomAD 0.02%). This variant has not been reported in the literature in individuals affected with MYLK-related conditions. ClinVar contains an entry for this variant (Variation ID: 1417242). Advanced modeling of protein sequence and biophysical properties (such as structural, functional, and spatial information, amino acid conservation, physicochemical variation, residue mobility, and thermodynamic stability) performed at Invitae indicates that this missense variant is not expected to disrupt MYLK protein function with a negative predictive value of 80%. In summary, the available evidence is currently insufficient to determine the role of this variant in disease. Therefore, it has been classified as a Variant of Uncertain Significance.

GeneDx
Classification: Uncertain significance. Last evaluated: 2023-07-26. Review status: criteria provided, single submitter. Criteria: GeneDx Variant Classification Process June 2021. Collection method: clinical testing. Allele origin: germline. Affected: yes.
Comment: Has not been previously published as pathogenic or benign to our knowledge; In silico analysis supports that this missense variant has a deleterious effect on protein structure/function

Fulgent Genetics
Classification: Uncertain significance for Megacystis-microcolon-intestinal hypoperistalsis syndrome 1; Aortic aneurysm, familial thoracic 7. Last evaluated: 2021-10-07. Review status: criteria provided, single submitter. Criteria: ACMG Guidelines, 2015. Collection method: clinical testing. Allele origin: unknown.